The following is an entry in ClinVar:

ClinVar aggregate classification (germline): Benign/Likely benign. Review status: criteria provided, multiple submitters, no conflicts (2 of 4 stars). 3 submissions from 3 submitters: Benign (1); Likely benign (2). Last evaluated 2025-11-10.

Conditions:
Hereditary cancer-predisposing syndrome. Also called: Hereditary Cancer Syndrome; Hereditary neoplastic syndrome; Neoplastic Syndromes, Hereditary; Tumor predisposition. Identifiers: Orphanet 140162, MedGen C0027672, MeSH D009386, MONDO:0015356.
POLD1-related polyposis and colorectal cancer syndrome (CRCS10). Also called: Colorectal cancer, susceptibility to, 10; Colorectal cancer 10; COLORECTAL CANCER, SUSCEPTIBILITY TO, ON CHROMOSOME 19q. Identifiers: Orphanet 220460, MedGen C2675481, MONDO:0012953, OMIM 612591.

Submissions (3):

Labcorp Genetics (formerly Invitae), Labcorp
Classification: Likely benign for POLD1-related polyposis and colorectal cancer syndrome. Last evaluated: 2025-11-10. Review status: criteria provided, single submitter. Criteria: Invitae Variant Classification Sherloc (09022015). Collection method: clinical testing. Allele origin: germline.

Myriad Genetics, Inc.
Classification: Benign for POLD1-related polyposis and colorectal cancer syndrome. Last evaluated: 2025-02-07. Review status: criteria provided, single submitter. Criteria: Myriad Autosomal Dominant, Autosomal Recessive and X-Linked Classification Criteria (2023). Collection method: clinical testing. Allele origin: unknown.
Comment: This variant is considered benign. This variant is a silent/synonymous amino acid change and it is not expected to impact splicing.

Ambry Genetics
Classification: Likely benign for Hereditary cancer-predisposing syndrome. Last evaluated: 2018-03-13. Review status: criteria provided, single submitter. Criteria: Ambry Variant Classification Scheme 2023. Collection method: clinical testing. Allele origin: germline.

NM_002691.4(POLD1):c.1671C>G (p.Ser557=)

Gene: POLD1 (DNA polymerase delta 1, catalytic subunit; plus strand). Cytogenetic location: 19q13.33.
Variant type: single nucleotide variant.
Coding change: c.1671C>G on transcript NM_002691.4 (MANE Select); coding-DNA position 1671, C replaced by G.
Protein change: p.Ser557=; no amino-acid change (serine 557 retained).
Molecular consequence: synonymous variant. On other transcripts: non-coding transcript variant (1).
Genome position (GRCh38, 1-based): chr19:50,407,159, C>G. VCF-style: chr19-50407159-C-G. GRCh37 (hg19) VCF-style: chr19-50910416-C-G.
Other names: c.1671C>G, p.Ser557= (NM_001256849.1, NM_001308632.1).
Identifiers: ClinVar variation 754556 (VCV000754556.12), dbSNP rs1601220047, ClinGen allele CA508184159.